The following is an entry in ClinVar:

ClinVar aggregate classification (germline): Conflicting classifications of pathogenicity. Review status: criteria provided, conflicting classifications (1 of 4 stars). 3 submissions from 3 submitters: Uncertain significance (2); Likely benign (1). Last evaluated 2024-03-18.

Allele frequency attached by ClinVar (database versions not stated): TOPMed below 0.00001; gnomAD 0.00001; gnomAD exomes 0.00001; ExAC 0.00003.
gnomAD v4.1: 23 of 1,609,732 alleles (0.0014%); highest among the groups gnomAD compares: Non-Finnish European, 0.0016%; no homozygotes.

Submissions (3):

Labcorp Genetics (formerly Invitae), Labcorp
Classification: Likely benign. Last evaluated: 2024-03-18. Review status: criteria provided, single submitter. Criteria: Invitae Variant Classification Sherloc (09022015). Collection method: clinical testing. Allele origin: germline.

Blueprint Genetics
Classification: Uncertain significance. Last evaluated: 2024-01-03. Review status: criteria provided, single submitter. Criteria: ACMG Guidelines, 2015. Collection method: clinical testing. Allele origin: germline.

GeneDx
Classification: Uncertain significance. Last evaluated: 2022-11-08. Review status: criteria provided, single submitter. Criteria: GeneDx Variant Classification Process June 2021. Collection method: clinical testing. Allele origin: germline. Affected: yes.
Comment: Not observed at significant frequency in large population cohorts (gnomAD); In silico analysis supports that this missense variant has a deleterious effect on protein structure/function; Has not been previously published as pathogenic or benign to our knowledge; In silico analysis is inconclusive as to whether the variant alters gene splicing. In the absence of RNA/functional studies, the actual effect of this sequence change is unknown.

NM_032119.4(ADGRV1):c.10997A>G (p.Glu3666Gly)

Gene: ADGRV1 (adhesion G protein-coupled receptor V1; plus strand). Cytogenetic location: 5q14.3.
Variant type: single nucleotide variant.
Coding change: c.10997A>G on transcript NM_032119.4 (MANE Select); coding-DNA position 10997, A replaced by G.
Protein change: p.Glu3666Gly; replaces glutamic acid 3666 with glycine.
Molecular consequence: missense variant. On other transcripts: non-coding transcript variant (1).
Genome position (GRCh38, 1-based): chr5:90,750,573, A>G. VCF-style: chr5-90750573-A-G. GRCh37 (hg19) VCF-style: chr5-90046390-A-G.
Other names: c.10997A>G (NM_032119.3); short protein forms E3666G.
Identifiers: ClinVar variation 1944185 (VCV001944185.7), dbSNP rs772390527, ClinGen allele CA3340878.